The following is an entry in ClinVar:

ClinVar aggregate classification (germline): Benign (1 of 4 stars; one submission).

Submission:

Mayo Clinic Laboratories, Mayo Clinic
Classification: Benign. Last evaluated: 2024-07-01. Review status: criteria provided, single submitter. Criteria: ACMG Guidelines, 2015. Collection method: clinical testing. Allele origin: germline. Observed: 8 variant alleles.
Comment: BS1, BS2, BP4, BP7

NM_014009.4(FOXP3):c.-23+943G>A

Gene: FOXP3 (forkhead box P3; minus strand). Cytogenetic location: Xp11.23.
Variant type: single nucleotide variant.
Coding change: c.-23+943G>A on transcript NM_014009.4 (MANE Select); 943 bases into the intron after 23 bases upstream of the start codon, G replaced by A.
Molecular consequence: intron variant.
Genome position (GRCh38, 1-based): chrX:49,263,718, C>T on the plus strand (G>A on the coding strand, the complement: FOXP3 is on the minus strand). VCF-style: chrX-49263718-C-T. GRCh37 (hg19) VCF-style: chrX-49120177-C-T.
Other names: c.-23+943G>A (NM_001114377.2); c.-23+946G>A (NM_014009.4).
Identifiers: ClinVar variation 4684520 (VCV004684520.1).
Genomic context (GRCh38, chrX:49,263,718, plus strand): 5'-CAGAAATACTAATAGCTAACACTTCGTGAGCACTTACTTTGTGCCAAACGCTGTGCTAAG[C>T]CTGCAGAATCGAGCTCACCCCAGCCCTGAACAACCTGTTTGCTTCCTGAATATGGACTCT-3'